The following is an entry in ClinVar:

ClinVar aggregate classification (germline): Benign. Review status: criteria provided, single submitter (1 of 4 stars). 2 submissions from 2 submitters: Benign (1). 1 of the submissions does not count toward it. Last evaluated 2019-12-31.

Conditions:
PXDN-related disorder. Also called: PXDN-related condition.
Anterior segment dysgenesis 7 (ASGD7). Also called: Anterior segment dysgenesis 7, with sclerocornea; SCLEROCORNEA WITH OTHER OCULAR ANOMALIES. Identifiers: Orphanet 289499, MedGen C3151617, MONDO:0010015, OMIM 269400.

Allele frequency attached by ClinVar (database versions not stated): gnomAD 0.00013 and 0.00021; TOPMed 0.00014; gnomAD exomes 0.00028 and 0.00038; ExAC 0.00039; 1000 Genomes Project 30x 0.00094; 1000 Genomes Project 0.00100.

Submissions (2):

Labcorp Genetics (formerly Invitae), Labcorp
Classification: Benign for Anterior segment dysgenesis 7. Last evaluated: 2019-12-31. Review status: criteria provided, single submitter. Criteria: Invitae Variant Classification Sherloc (09022015). Collection method: clinical testing. Allele origin: germline.

PreventionGenetics, part of Exact Sciences
Classification: Likely benign for PXDN-related condition. Last evaluated: 2019-08-07. Review status: no assertion criteria provided. Collection method: clinical testing. Allele origin: germline. Not counted in ClinVar's aggregate classification.
Comment: This variant is classified as likely benign based on ACMG/AMP sequence variant interpretation guidelines (Richards et al. 2015 PMID: 25741868, with internal and published modifications).

NM_012293.3(PXDN):c.3175G>A (p.Ala1059Thr)

Gene: PXDN (peroxidasin; minus strand). Cytogenetic location: 2p25.3.
Variant type: single nucleotide variant.
Coding change: c.3175G>A on transcript NM_012293.3 (MANE Select); coding-DNA position 3175, G replaced by A.
Protein change: p.Ala1059Thr; replaces alanine 1059 with threonine.
Molecular consequence: missense variant.
Genome position (GRCh38, 1-based): chr2:1,648,605, C>T on the plus strand (G>A on the coding strand, the complement: PXDN is on the minus strand). VCF-style: chr2-1648605-C-T. GRCh37 (hg19) VCF-style: chr2-1652377-C-T.
Other names: short protein forms A1059T.
Identifiers: ClinVar variation 774097 (VCV000774097.6), dbSNP rs186563338, ClinGen allele CA1512797.